The following is an entry in ClinVar:

ClinVar aggregate classification (germline): Uncertain significance (1 of 4 stars; one submission).

Submission:

Labcorp Genetics (formerly Invitae), Labcorp
Classification: Uncertain significance. Last evaluated: 2024-03-20. Review status: criteria provided, single submitter. Criteria: Invitae Variant Classification Sherloc (09022015). Collection method: clinical testing. Allele origin: germline.
Comment: This sequence change replaces glycine, which is neutral and non-polar, with serine, which is neutral and polar, at codon 382 of the GANAB protein (p.Gly382Ser). This variant is not present in population databases (gnomAD no frequency). This variant has not been reported in the literature in individuals affected with GANAB-related conditions. Advanced modeling of protein sequence and biophysical properties (such as structural, functional, and spatial information, amino acid conservation, physicochemical variation, residue mobility, and thermodynamic stability) performed at Invitae indicates that this missense variant is expected to disrupt GANAB protein function with a positive predictive value of 80%. In summary, the available evidence is currently insufficient to determine the role of this variant in disease. Therefore, it has been classified as a Variant of Uncertain Significance.

NM_198334.3(GANAB):c.1078G>A (p.Gly360Ser)

Gene: GANAB (glucosidase II alpha subunit; minus strand). Cytogenetic location: 11q12.3.
Variant type: single nucleotide variant.
Coding change: c.1078G>A on transcript NM_198334.3 (MANE Select); coding-DNA position 1078, G replaced by A.
Protein change: p.Gly360Ser; replaces glycine 360 with serine.
Molecular consequence: missense variant.
Genome position (GRCh38, 1-based): chr11:62,631,102, C>T on the plus strand (G>A on the coding strand, the complement: GANAB is on the minus strand). VCF-style: chr11-62631102-C-T. GRCh37 (hg19) VCF-style: chr11-62398574-C-T.
Other names: c.802G>A, p.Gly268Ser (NM_001278192.2); c.736G>A, p.Gly246Ser (NM_001278193.2); c.787G>A, p.Gly263Ser (NM_001278194.2, NM_001329222.2, NM_001329223.2); c.355G>A, p.Gly119Ser (NM_001329224.2, NM_001329225.2); c.1144G>A, p.Gly382Ser (NM_198335.4); short protein forms G246S, G382S, G119S, G360S, G263S, G268S.
Identifiers: ClinVar variation 3688669 (VCV003688669.2).